The following is an entry in ClinVar:

ClinVar aggregate classification (germline): Likely benign (1 of 4 stars; one submission).

Conditions:
DYNC1H1-related disorder. Also called: DYNC1H1-related condition; DYNC1H1-related disorders. Identifiers: MedGen CN381529.

gnomAD v4.1: 1 of 1,614,242 alleles (0.000062%); highest among the groups gnomAD compares: African/African-American, 0.0013%; no homozygotes.

Submission:

PreventionGenetics, part of Exact Sciences
Classification: Likely benign for DYNC1H1-related condition. Last evaluated: 2026-08-10. Review status: criteria provided, single submitter. Criteria: ACMG Guidelines, 2015. Collection method: clinical testing. Allele origin: germline.
Comment: This variant is classified as likely benign based on ACMG/AMP sequence variant interpretation guidelines (Richards et al. 2015 PMID: 25741868, with internal and published modifications).

NM_001376.5(DYNC1H1):c.5130A>G (p.Arg1710=)

Gene: DYNC1H1 (dynein cytoplasmic 1 heavy chain 1; plus strand). Cytogenetic location: 14q32.31.
Variant type: single nucleotide variant.
Coding change: c.5130A>G on transcript NM_001376.5 (MANE Select); coding-DNA position 5130, A replaced by G.
Protein change: p.Arg1710=; no amino-acid change (arginine 1710 retained).
Molecular consequence: synonymous variant.
Genome position (GRCh38, 1-based): chr14:102,004,842, A>G. VCF-style: chr14-102004842-A-G. GRCh37 (hg19) VCF-style: chr14-102471179-A-G.
Identifiers: ClinVar variation 4994033 (VCV004994033.1).